The following is an entry in ClinVar:

ClinVar aggregate classification (germline): Uncertain significance (0 of 4 stars; one submission).

Conditions:
TTN-related disorder. Also called: TTN-related condition; TTN-related disease; TTN-related disorders.

Submission:

PreventionGenetics, part of Exact Sciences
Classification: Uncertain significance for TTN-related condition. Last evaluated: 2024-01-08. Review status: no assertion criteria provided. Collection method: clinical testing. Allele origin: germline.
Comment: The TTN c.83080C>G variant is predicted to result in the amino acid substitution p.Arg27694Gly. To our knowledge, this variant has not been reported in the literature or in a large population database, indicating this variant is rare. At this time, the clinical significance of this variant is uncertain due to the absence of conclusive functional and genetic evidence.

NM_001267550.2(TTN):c.83080C>G (p.Arg27694Gly)

Genes: TTN (titin; minus strand), TTN-AS1 (TTN antisense RNA 1; plus strand). Cytogenetic location: 2q31.2.
Variant type: single nucleotide variant.
Coding change: c.83080C>G on transcript NM_001267550.2 (MANE Select); coding-DNA position 83080, C replaced by G.
Protein change: p.Arg27694Gly; replaces arginine 27694 with glycine.
Molecular consequence: missense variant.
Genome position (GRCh38, 1-based): chr2:178,563,052, G>C on the plus strand (C>G on the coding strand, the complement: TTN is on the minus strand). VCF-style: chr2-178563052-G-C. GRCh37 (hg19) VCF-style: chr2-179427779-G-C.
Other names: c.78157C>G, p.Arg26053Gly (NM_001256850.1); c.55885C>G, p.Arg18629Gly (NM_003319.4); c.75376C>G, p.Arg25126Gly (NM_133378.4); c.56260C>G, p.Arg18754Gly (NM_133432.3); c.56461C>G, p.Arg18821Gly (NM_133437.4); short protein forms R18629G, R18754G, R18821G, R25126G, R26053G, R27694G.
Identifiers: ClinVar variation 3060167 (VCV003060167.2), dbSNP rs192360370, ClinGen allele CA349569613.